The following is an entry in ClinVar:

ClinVar aggregate classification (germline): Benign/Likely benign. Review status: criteria provided, multiple submitters, no conflicts (2 of 4 stars). 7 submissions from 7 submitters: Benign (3); Likely benign (2). 2 of the submissions do not count toward it. Last evaluated 2026-02-02.

Conditions:
LRPPRC-related disorder. Also called: LRPPRC-related condition.
Congenital lactic acidosis, Saguenay-Lac-Saint-Jean type (MC4DN5). Also called: CYTOCHROME c OXIDASE DEFICIENCY, FRENCH CANADIAN TYPE; COX DEFICIENCY, FRENCH CANADIAN TYPE; MITOCHONDRIAL COMPLEX IV DEFICIENCY, NUCLEAR TYPE 5. Identifiers: Orphanet 70472, MedGen C1857355, MONDO:0009069, OMIM 220111.

Allele frequency attached by ClinVar (database versions not stated): TOPMed 0.00039; gnomAD 0.00041; ExAC 0.00070; gnomAD exomes 0.00082; 1000 Genomes Project 30x 0.00203; 1000 Genomes Project 0.00220.
gnomAD v4.1: 803 of 1,611,854 alleles (0.05%); highest among the groups gnomAD compares: East Asian, 1.6%; 8 homozygotes.

Submissions (7):

Labcorp Genetics (formerly Invitae), Labcorp
Classification: Benign. Last evaluated: 2026-02-02. Review status: criteria provided, single submitter. Criteria: Invitae Variant Classification Sherloc (09022015). Collection method: clinical testing. Allele origin: germline.

Fulgent Genetics
Classification: Benign for Congenital lactic acidosis, Saguenay-Lac-Saint-Jean type. Last evaluated: 2022-05-27. Review status: criteria provided, single submitter. Criteria: ACMG Guidelines, 2015. Collection method: clinical testing. Allele origin: unknown.

GeneDx
Classification: Benign. Last evaluated: 2020-07-08. Review status: criteria provided, single submitter. Criteria: GeneDx Variant Classification Process June 2021. Collection method: clinical testing. Allele origin: germline. Affected: yes.
Comment: This variant is associated with the following publications: (PMID: 29152527, 22494076)

Illumina Laboratory Services, Illumina
Classification: Likely benign for Congenital lactic acidosis, Saguenay-Lac-Saint-Jean type. Last evaluated: 2017-04-27. Review status: criteria provided, single submitter. Criteria: ICSL Variant Classification Criteria 13 December 2019. Collection method: clinical testing. Allele origin: germline.
Comment: This variant was observed as part of a predisposition screen in an ostensibly healthy population. A literature search was performed for the gene, cDNA change, and amino acid change (where applicable). Publications were found based on this search. The evidence from the literature, in combination with allele frequency data from public databases where available, was sufficient to determine this variant is unlikely to cause disease. Therefore, this variant is classified as likely benign.

Breakthrough Genomics
Classification: Likely benign. Review status: criteria provided, single submitter. Criteria: ACMG Guidelines, 2015. Collection method: not provided. Allele origin: germline. Inheritance: Autosomal recessive inheritance. Affected: yes.

Natera, Inc.
Classification: Likely benign for French-Canadian type Leigh syndrome. Last evaluated: 2020-06-16. Review status: no assertion criteria provided. Collection method: clinical testing. Allele origin: germline. Not counted in ClinVar's aggregate classification.

PreventionGenetics, part of Exact Sciences
Classification: Likely benign for LRPPRC-related condition. Last evaluated: 2020-05-11. Review status: no assertion criteria provided. Collection method: clinical testing. Allele origin: germline. Not counted in ClinVar's aggregate classification.
Comment: This variant is classified as likely benign based on ACMG/AMP sequence variant interpretation guidelines (Richards et al. 2015 PMID: 25741868, with internal and published modifications).

Literature cited by the submitters: PubMed 22494076 (cited by Illumina Laboratory Services, Illumina).

NM_133259.4(LRPPRC):c.4078G>A (p.Ala1360Thr)

Gene: LRPPRC (leucine rich pentatricopeptide repeat containing; minus strand). Cytogenetic location: 2p21.
Variant type: single nucleotide variant.
Coding change: c.4078G>A on transcript NM_133259.4 (MANE Select); coding-DNA position 4078, G replaced by A.
Protein change: p.Ala1360Thr; replaces alanine 1360 with threonine.
Molecular consequence: missense variant.
Genome position (GRCh38, 1-based): chr2:43,889,784, C>T on the plus strand (G>A on the coding strand, the complement: LRPPRC is on the minus strand). VCF-style: chr2-43889784-C-T. GRCh37 (hg19) VCF-style: chr2-44116923-C-T.
Other names: short protein forms A1360T.
Identifiers: ClinVar variation 746339 (VCV000746339.21), dbSNP rs147302249, ClinGen allele CA1637821.